The following is an entry in ClinVar:

ClinVar aggregate classification (germline): Uncertain significance. Review status: criteria provided, multiple submitters, no conflicts (2 of 4 stars). 3 submissions from 3 submitters: Uncertain significance (3). Last evaluated 2024-03-01.

Conditions:
Inborn genetic diseases. Identifiers: MedGen C0950123, MeSH D030342.
Sclerosteosis 2 (SOST2). Identifiers: Orphanet 3152, MedGen C3280402, MONDO:0013679, OMIM 614305.
Congenital myasthenic syndrome 17. Identifiers: Orphanet 590, MedGen C4225377, MONDO:0014578, OMIM 616304.
Cenani-Lenz syndactyly syndrome. Also called: CENANI SYNDACTYLISM; SYNDACTYLY, TYPE VII. Identifiers: Orphanet 3258, MedGen C1859309, MONDO:0008931, OMIM 212780.

Allele frequency attached by ClinVar (database versions not stated): gnomAD exomes below 0.00001 and 0.00002; ExAC 0.00001; gnomAD 0.00001; TOPMed 0.00001.
gnomAD v4.1: 26 of 1,613,962 alleles (0.0016%); highest among the groups gnomAD compares: Non-Finnish European, 0.0022%; no homozygotes.

Submissions (3):

Fulgent Genetics
Classification: Uncertain significance for Cenani-Lenz syndactyly syndrome; Sclerosteosis 2; Congenital myasthenic syndrome 17. Last evaluated: 2024-03-01. Review status: criteria provided, single submitter. Criteria: ACMG Guidelines, 2015. Collection method: clinical testing. Allele origin: germline.

Ambry Genetics
Classification: Uncertain significance for Inborn genetic diseases. Last evaluated: 2023-04-26. Review status: criteria provided, single submitter. Criteria: Ambry Variant Classification Scheme 2023. Collection method: clinical testing. Allele origin: germline.

Labcorp Genetics (formerly Invitae), Labcorp
Classification: Uncertain significance for Cenani-Lenz syndactyly syndrome; Sclerosteosis 2; Congenital myasthenic syndrome 17. Last evaluated: 2022-08-15. Review status: criteria provided, single submitter. Criteria: Invitae Variant Classification Sherloc (09022015). Collection method: clinical testing. Allele origin: germline.
Comment: In summary, the available evidence is currently insufficient to determine the role of this variant in disease. Therefore, it has been classified as a Variant of Uncertain Significance. Algorithms developed to predict the effect of missense changes on protein structure and function are either unavailable or do not agree on the potential impact of this missense change (SIFT: "Deleterious"; PolyPhen-2: "Possibly Damaging"; Align-GVGD: "Class C15"). ClinVar contains an entry for this variant (Variation ID: 1373891). This variant has not been reported in the literature in individuals affected with LRP4-related conditions. This variant is present in population databases (rs777222715, gnomAD 0.0009%). This sequence change replaces threonine, which is neutral and polar, with methionine, which is neutral and non-polar, at codon 710 of the LRP4 protein (p.Thr710Met).

NM_002334.4(LRP4):c.2129C>T (p.Thr710Met)

Gene: LRP4 (LDL receptor related protein 4; minus strand). Cytogenetic location: 11p11.2.
Variant type: single nucleotide variant.
Coding change: c.2129C>T on transcript NM_002334.4 (MANE Select); coding-DNA position 2129, C replaced by T.
Protein change: p.Thr710Met; replaces threonine 710 with methionine.
Molecular consequence: missense variant.
Genome position (GRCh38, 1-based): chr11:46,889,497, G>A on the plus strand (C>T on the coding strand, the complement: LRP4 is on the minus strand). VCF-style: chr11-46889497-G-A. GRCh37 (hg19) VCF-style: chr11-46911048-G-A.
Other names: c.2129C>T (NM_002334.3); short protein forms T710M.
Identifiers: ClinVar variation 1373891 (VCV001373891.9), dbSNP rs777222715, ClinGen allele CA5969975.
Genomic context (GRCh38, chr11:46,889,497, plus strand): 5'-TTGCGGAAGCCAGTGGGGCAGGCACAGGTGTAGTTCTGGCCACTGGGCAGACACAGGTGC[G>A]TGCAGCCTCCGTTGTTGTCCCCACAGCGGTTTTTCCCTGCTCAAAGAGCCCAGGGCAAGA-3'
Protein context (NP_002325.2, residues 700-720): NRCGDNNGGC[Thr710Met]HLCLPSGQNY